The following is an entry in ClinVar:

ClinVar aggregate classification (germline): Uncertain significance (1 of 4 stars; one submission).

Conditions:
Hereditary cancer-predisposing syndrome. Also called: Hereditary neoplastic syndrome; Tumor predisposition; Neoplastic Syndromes, Hereditary; Hereditary Cancer Syndrome. Identifiers: Orphanet 140162, MedGen C0027672, MeSH D009386, MONDO:0015356.

Submission:

Sema4
Classification: Uncertain significance for Hereditary cancer-predisposing syndrome. Last evaluated: 2021-05-17. Review status: criteria provided, single submitter. Criteria: Sema4 Curation Guidelines. Collection method: curation. Allele origin: germline.
Comment: The EGFR c.1547G>A (p.W516X) variant has not been reported in the literature to our knowledge. This novel nonsense variant creates a premature stop codon at residue 516 of the EGFR protein, which is expected to result in an absent or truncated protein product (loss of function). Loss of function is not established disease mechanism for EGFR protein. It was not observed in the large and broad cohorts of the Genome Aggregation Database (PMID: 32461654). The variant has not been reported in ClinVar. The evidence is insufficient to meet ACMG/AMP criteria for classifying the variant as benign or pathogenic. Thus, the clinical significance of this variant is currently uncertain.

NM_005228.5(EGFR):c.1547G>A (p.Trp516Ter)

Gene: EGFR (epidermal growth factor receptor; plus strand). Cytogenetic location: 7p11.2.
Variant type: single nucleotide variant.
Coding change: c.1547G>A on transcript NM_005228.5 (MANE Select); coding-DNA position 1547, G replaced by A.
Protein change: p.Trp516Ter; replaces tryptophan 516 with a stop codon.
Molecular consequence: nonsense.
Genome position (GRCh38, 1-based): chr7:55,161,547, G>A. VCF-style: chr7-55161547-G-A. GRCh37 (hg19) VCF-style: chr7-55229240-G-A.
Other names: c.1412G>A, p.Trp471Ter (NM_001346897.2, NM_001346899.2); c.1547G>A, p.Trp516Ter (NM_001346898.2, NM_201282.2, NM_201284.2); c.1388G>A, p.Trp463Ter (NM_001346900.2); c.746G>A, p.Trp249Ter (NM_001346941.2); short protein forms W249*, W463*, W471*, W516*.
Identifiers: ClinVar variation 1692865 (VCV001692865.1), dbSNP rs2128942821, ClinGen allele CA367579868.